The following is an entry in ClinVar:

NM_020806.5(GPHN):c.1768G>T (p.Ala590Ser)

Gene: GPHN (gephyrin; plus strand). Cytogenetic location: 14q23.3.
Variant type: single nucleotide variant.
Coding change: c.1768G>T on transcript NM_020806.5 (MANE Select); coding-DNA position 1768, G replaced by T.
Protein change: p.Ala590Ser; replaces alanine 590 with serine.
Molecular consequence: missense variant.
Genome position (GRCh38, 1-based): chr14:67,143,381, G>T. VCF-style: chr14-67143381-G-T. GRCh37 (hg19) VCF-style: chr14-67610098-G-T.
Other names: c.1768G>T (NM_020806.4); c.1669G>T, p.Ala557Ser (NM_001024218.2); c.1828G>T, p.Ala610Ser (NM_001377514.1); c.1798G>T, p.Ala600Ser (NM_001377515.1); c.1789G>T, p.Ala597Ser (NM_001377516.1); c.1741G>T, p.Ala581Ser (NM_001377517.1); c.1726G>T, p.Ala576Ser (NM_001377518.1); c.1708G>T, p.Ala570Ser (NM_001377519.1); short protein forms A557S, A581S, A597S, A590S, A600S, A610S, A570S, A576S.
Identifiers: ClinVar variation 1405489 (VCV001405489.7), dbSNP rs375284004, ClinGen allele CA7234177.

ClinVar aggregate classification (germline): Uncertain significance. Review status: criteria provided, multiple submitters, no conflicts (2 of 4 stars). 2 submissions from 2 submitters: Uncertain significance (2). Last evaluated 2025-07-22.

Conditions:
Inborn genetic diseases. Identifiers: MedGen C0950123, MeSH D030342.
Sulfite oxidase deficiency due to molybdenum cofactor deficiency type C. Also called: Molybdenum cofactor deficiency, complementation group C; Molybdenum cofactor deficiency C. Identifiers: Orphanet 308400, Orphanet 833, MedGen C1854990, MONDO:0014212, OMIM 615501.

Allele frequency attached by ClinVar (database versions not stated): gnomAD exomes below 0.00001 and 0.00003; TOPMed below 0.00001; ExAC 0.00001; ESP Exome Variant Server 0.00008.
gnomAD v4.1: 49 of 1,608,850 alleles (0.003%); highest among the groups gnomAD compares: Non-Finnish European, 0.0041%; no homozygotes.

Submissions (2):

Labcorp Genetics (formerly Invitae), Labcorp
Classification: Uncertain significance for Sulfite oxidase deficiency due to molybdenum cofactor deficiency type C. Last evaluated: 2025-07-22. Review status: criteria provided, single submitter. Criteria: Invitae Variant Classification Sherloc (09022015). Collection method: clinical testing. Allele origin: germline.
Comment: This sequence change replaces alanine, which is neutral and non-polar, with serine, which is neutral and polar, at codon 590 of the GPHN protein (p.Ala590Ser). The frequency data for this variant in the population databases is considered unreliable, as metrics indicate poor data quality at this position in the gnomAD database. This variant has not been reported in the literature in individuals affected with GPHN-related conditions. ClinVar contains an entry for this variant (Variation ID: 1405489). Invitae Evidence Modeling of protein sequence and biophysical properties (such as structural, functional, and spatial information, amino acid conservation, physicochemical variation, residue mobility, and thermodynamic stability) indicates that this missense variant is not expected to disrupt GPHN protein function with a negative predictive value of 80%. In summary, the available evidence is currently insufficient to determine the role of this variant in disease. Therefore, it has been classified as a Variant of Uncertain Significance.

Ambry Genetics
Classification: Uncertain significance for Inborn genetic diseases. Last evaluated: 2022-02-11. Review status: criteria provided, single submitter. Criteria: Ambry Variant Classification Scheme 2023. Collection method: clinical testing. Allele origin: germline.